The following is an entry in ClinVar:

NM_001161352.2(KCNMA1):c.3670T>C (p.Ser1224Pro)

Gene: KCNMA1 (potassium calcium-activated channel subfamily M alpha 1; minus strand). Cytogenetic location: 10q22.3.
Variant type: single nucleotide variant.
Coding change: c.3670T>C on transcript NM_001161352.2 (MANE Select); coding-DNA position 3670, T replaced by C.
Protein change: p.Ser1224Pro; replaces serine 1224 with proline.
Molecular consequence: missense variant.
Genome position (GRCh38, 1-based): chr10:76,887,307, A>G on the plus strand (T>C on the coding strand, the complement: KCNMA1 is on the minus strand). VCF-style: chr10-76887307-A-G. GRCh37 (hg19) VCF-style: chr10-78647065-A-G.
Other names: c.3496T>C (NM_002247.3); c.3508T>C, p.Ser1170Pro (NM_001014797.3); c.3619T>C, p.Ser1207Pro (NM_001161353.2); c.3346T>C, p.Ser1116Pro (NM_001271518.2); c.3586T>C, p.Ser1196Pro (NM_001271519.2); c.3505T>C, p.Ser1169Pro (NM_001322829.2, NM_001322836.2); c.3598T>C, p.Ser1200Pro (NM_001322830.2); c.3496T>C, p.Ser1166Pro (NM_001322832.2, NM_002247.4); and 2 more; short protein forms S1170P, S1207P, S1116P, S1169P, S1196P, S1197P, S1015P, S1166P.
Identifiers: ClinVar variation 806521 (VCV000806521.54), dbSNP rs1370349180, ClinGen allele CA377402529.
Genomic context (GRCh38, chr10:76,887,307, plus strand): 5'-GTGGCGGTGGATACACATATCAAAGCCGCTCTTCCTGCACGTACTTCTGTTTGTCCCGGG[A>G]CTCCCTGGACTTGGGCCGGTTCTGTCGGTTTGCTGTGGATGGGATGGAGTGAACAGAGGA-3'
Protein context (NP_001154824.1, residues 1214-1234): NRQNRPKSRE[Ser1224Pro]RDKQKYVQEE

ClinVar aggregate classification (germline): Uncertain significance. Review status: criteria provided, multiple submitters, no conflicts (2 of 4 stars). 6 submissions from 6 submitters: Uncertain significance (6). Last evaluated 2025-04-19.

Conditions:
Inborn genetic diseases. Identifiers: MedGen C0950123, MeSH D030342.
Generalized epilepsy-paroxysmal dyskinesia syndrome (PNKD3). Also called: Paroxysmal nonkinesigenic dyskinesia, 3, with or without generalized epilepsy; Generalized epilepsy and paroxysmal dyskinesia. Identifiers: Orphanet 79137, MedGen C5574945, MONDO:0012276, OMIM 609446.

Allele frequency attached by ClinVar (database versions not stated): gnomAD exomes below 0.00001 and 0.00001; gnomAD 0.00001; TOPMed 0.00001.
gnomAD v4.1: 12 of 1,613,586 alleles (0.00074%); highest among the groups gnomAD compares: Admixed American, 0.0017%; no homozygotes.

Submissions (6):

Labcorp Genetics (formerly Invitae), Labcorp
Classification: Uncertain significance for Generalized epilepsy-paroxysmal dyskinesia syndrome. Last evaluated: 2025-04-19. Review status: criteria provided, single submitter. Criteria: Invitae Variant Classification Sherloc (09022015). Collection method: clinical testing. Allele origin: germline.
Comment: This sequence change replaces serine, which is neutral and polar, with proline, which is neutral and non-polar, at codon 1166 of the KCNMA1 protein (p.Ser1166Pro). This variant is present in population databases (no rsID available, gnomAD 0.003%). This variant has not been reported in the literature in individuals affected with KCNMA1-related conditions. ClinVar contains an entry for this variant (Variation ID: 806521). An algorithm developed to predict the effect of missense changes on protein structure and function (PolyPhen-2) suggests that this variant is likely to be tolerated. In summary, the available evidence is currently insufficient to determine the role of this variant in disease. Therefore, it has been classified as a Variant of Uncertain Significance.

GeneDx
Classification: Uncertain significance. Last evaluated: 2024-07-19. Review status: criteria provided, single submitter. Criteria: GeneDx Variant Classification Process June 2021. Collection method: clinical testing. Allele origin: germline. Affected: yes.
Comment: Not observed at significant frequency in large population cohorts (gnomAD); In silico analysis indicates that this missense variant does not alter protein structure/function; Has not been previously published as pathogenic or benign to our knowledge

Blueprint Genetics
Classification: Uncertain significance. Last evaluated: 2024-04-11. Review status: criteria provided, single submitter. Criteria: ACMG Guidelines, 2015. Collection method: clinical testing. Allele origin: germline.

Ambry Genetics
Classification: Uncertain significance for Inborn genetic diseases. Last evaluated: 2023-02-23. Review status: criteria provided, single submitter. Criteria: Ambry Variant Classification Scheme 2023. Collection method: clinical testing. Allele origin: germline.

Laboratorio de Genetica e Diagnostico Molecular, Hospital Israelita Albert Einstein
Classification: Uncertain significance. Last evaluated: 2021-12-21. Review status: criteria provided, single submitter. Criteria: ACMG Guidelines, 2015. Collection method: clinical testing. Allele origin: germline. Affected: yes.
Comment: ACMG classification criteria: PM2, BP4

CeGaT Center for Human Genetics Tuebingen
Classification: Uncertain significance. Last evaluated: 2016-07-01. Review status: criteria provided, single submitter. Criteria: CeGaT Center For Human Genetics Tuebingen Variant Classification Criteria Version 2. Collection method: clinical testing. Allele origin: germline. Affected: yes. Observed: 1 variant allele.